The following is an entry in ClinVar:

ClinVar aggregate classification (germline): Uncertain significance. Review status: criteria provided, multiple submitters, no conflicts (2 of 4 stars). 2 submissions from 2 submitters: Uncertain significance (2). Last evaluated 2024-09-09.

Conditions:
Hereditary cancer-predisposing syndrome. Also called: Neoplastic Syndromes, Hereditary; Hereditary Cancer Syndrome; Tumor predisposition; Hereditary neoplastic syndrome. Identifiers: Orphanet 140162, MedGen C0027672, MeSH D009386, MONDO:0015356.
Gorlin syndrome. Also called: Nevoid Basal Cell Carcinoma Syndrome; Basal cell nevus syndrome. Identifiers: Orphanet 377, MedGen C0004779, MONDO:0007187.

Allele frequency attached by ClinVar (database versions not stated): gnomAD exomes below 0.00001.
gnomAD v4.1: 2 of 1,614,198 alleles (0.00012%); highest among the groups gnomAD compares: Non-Finnish European, 0.00017%; no homozygotes.

Submissions (2):

Labcorp Genetics (formerly Invitae), Labcorp
Classification: Uncertain significance for Gorlin syndrome. Last evaluated: 2024-09-09. Review status: criteria provided, single submitter. Criteria: Invitae Variant Classification Sherloc (09022015). Collection method: clinical testing. Allele origin: germline.
Comment: This sequence change replaces serine, which is neutral and polar, with asparagine, which is neutral and polar, at codon 410 of the PTCH1 protein (p.Ser410Asn). This variant is not present in population databases (gnomAD no frequency). This variant has not been reported in the literature in individuals affected with PTCH1-related conditions. ClinVar contains an entry for this variant (Variation ID: 2564380). Invitae Evidence Modeling of protein sequence and biophysical properties (such as structural, functional, and spatial information, amino acid conservation, physicochemical variation, residue mobility, and thermodynamic stability) indicates that this missense variant is not expected to disrupt PTCH1 protein function with a negative predictive value of 95%. In summary, the available evidence is currently insufficient to determine the role of this variant in disease. Therefore, it has been classified as a Variant of Uncertain Significance.

Ambry Genetics
Classification: Uncertain significance for Hereditary cancer-predisposing syndrome. Last evaluated: 2023-05-09. Review status: criteria provided, single submitter. Criteria: Ambry Variant Classification Scheme 2023. Collection method: clinical testing. Allele origin: germline.
Comment: The p.S410N variant (also known as c.1229G>A), located in coding exon 9 of the PTCH1 gene, results from a G to A substitution at nucleotide position 1229. The serine at codon 410 is replaced by asparagine, an amino acid with highly similar properties. This amino acid position is well conserved in available vertebrate species. In addition, the in silico prediction for this alteration is inconclusive. Since supporting evidence is limited at this time, the clinical significance of this alteration remains unclear.

NM_000264.5(PTCH1):c.1229G>A (p.Ser410Asn)

Gene: PTCH1 (patched 1; minus strand). Cytogenetic location: 9q22.32.
Variant type: single nucleotide variant.
Coding change: c.1229G>A on transcript NM_000264.5 (MANE Select); coding-DNA position 1229, G replaced by A.
Protein change: p.Ser410Asn; replaces serine 410 with asparagine.
Molecular consequence: missense variant. On other transcripts: non-coding transcript variant (1).
Genome position (GRCh38, 1-based): chr9:95,478,173, C>T on the plus strand (G>A on the coding strand, the complement: PTCH1 is on the minus strand). VCF-style: chr9-95478173-C-T. GRCh37 (hg19) VCF-style: chr9-98240455-C-T.
Other names: c.1031G>A, p.Ser344Asn (NM_001083602.3); c.1226G>A, p.Ser409Asn (NM_001083603.3); c.776G>A, p.Ser259Asn (NM_001083604.3, NM_001083605.3, NM_001083606.3 and 1 more transcripts); c.1229G>A, p.Ser410Asn (NM_001354918.2); short protein forms S344N, S409N, S259N, S410N.
Identifiers: ClinVar variation 2564380 (VCV002564380.4), dbSNP rs2118339106, ClinGen allele CA374118964.